The following is an entry in ClinVar:

ClinVar aggregate classification (germline): Likely pathogenic (1 of 4 stars; one submission).

Conditions:
Porencephaly-microcephaly-bilateral congenital cataract syndrome. Identifiers: Orphanet 306547, MedGen C3151000, MONDO:0013394, OMIM 613730.

Submission:

Neuberg Centre For Genomic Medicine, NCGM
Classification: Likely pathogenic for Porencephaly-microcephaly-bilateral congenital cataract syndrome. Review status: criteria provided, single submitter. Criteria: ACMG Guidelines, 2015. Collection method: clinical testing. Allele origin: germline. Inheritance: Autosomal recessive inheritance. Affected: yes.
Comment: The frameshift c.231del(p.Tyr77Ter) variant in JAM3 gene has not been reported previously as a pathogenic variant nor as a benign variant, to our knowledge. This variant has not been reported to the ClinVar database. The c.231del variant is novel (not in any individuals) in gnomAD Exomes and 1000 Genomes. This variant is predicted to cause loss of normal protein function through protein truncation. Loss of function variants have been previously reported to be disease causing. Functional studies are required to prove pathogenicity of the variant. For these reasons, this variant has been classified as Likely Pathogenic.

NM_032801.5(JAM3):c.231del (p.Thr76_Tyr77insTer)

Gene: JAM3 (junctional adhesion molecule 3; plus strand). Cytogenetic location: 11q25.
Variant type: Deletion.
Coding change: c.231del on transcript NM_032801.5 (MANE Select); coding-DNA position 231, one base deleted (T; older notation c.231delT).
Protein change: p.Thr76_Tyr77insTer.
Molecular consequence: nonsense.
Genome position (GRCh38, 1-based): chr11:134,140,745, T deleted. VCF-style (leftmost placement, unchanged base first): chr11-134140744-AT-A. GRCh37 (hg19) VCF-style: chr11-134010639-AT-A.
Other names: c.231del, p.Thr76_Tyr77insTer (NM_001205329.2).
Identifiers: ClinVar variation 2664218 (VCV002664218.1), dbSNP rs2497284984, ClinGen allele CA2695199045.